The following is an entry in ClinVar:

ClinVar aggregate classification (germline): Uncertain significance (1 of 4 stars; one submission).

Conditions:
Inborn genetic diseases. Identifiers: MedGen C0950123, MeSH D030342.

Submission:

Ambry Genetics
Classification: Uncertain significance for Inborn genetic diseases. Last evaluated: 2025-05-31. Review status: criteria provided, single submitter. Criteria: Ambry Variant Classification Scheme 2023. Collection method: clinical testing. Allele origin: germline.
Comment: The p.V279G variant (also known as c.836T>G), located in coding exon 3 of the SH2B3 gene, results from a T to G substitution at nucleotide position 836. The valine at codon 279 is replaced by glycine, an amino acid with dissimilar properties. This amino acid position is conserved. In addition, this alteration is predicted to be deleterious by in silico analysis. Based on the available evidence, the clinical significance of this variant remains unclear.

NM_005475.3(SH2B3):c.836T>G (p.Val279Gly)

Gene: SH2B3 (SH2B adaptor protein 3; plus strand). Cytogenetic location: 12q24.12.
Variant type: single nucleotide variant.
Coding change: c.836T>G on transcript NM_005475.3 (MANE Select); coding-DNA position 836, T replaced by G.
Protein change: p.Val279Gly; replaces valine 279 with glycine.
Molecular consequence: missense variant.
Genome position (GRCh38, 1-based): chr12:111,446,943, T>G. VCF-style: chr12-111446943-T-G. GRCh37 (hg19) VCF-style: chr12-111884747-T-G.
Other names: c.230T>G, p.Val77Gly (NM_001291424.1); short protein forms V77G, V279G.
Identifiers: ClinVar variation 3953542 (VCV003953542.1).
Genomic context (GRCh38, chr12:111,446,943, plus strand): 5'-GGCAATACAAATACATACACATACAGCAGACCCAACCCTGTTCCCTTCCTCCCTGCCAGG[T>G]GAAGGACCGGACAGACATCATCTTTGAGGTGGGAGACGAGCAGCAGCTGAATTCATGGAT-3'
Protein context (NP_005466.1, residues 269-289): PDNLYTFVLK[Val279Gly]KDRTDIIFEV